The following is an entry in ClinVar:

ClinVar aggregate classification (germline): Pathogenic/Likely pathogenic. Review status: criteria provided, multiple submitters, no conflicts (2 of 4 stars). 2 submissions from 2 submitters: Pathogenic (1); Likely pathogenic (1). Last evaluated 2025-06-03.

Conditions:
Neurofibromatosis, type 1 (NF1). Also called: Neurofibromatosis, type I; VON RECKLINGHAUSEN DISEASE; NEUROFIBROMATOSIS, TYPE I, SOMATIC; Peripheral type neurofibromatosis. Identifiers: Orphanet 636, MedGen C0027831, MONDO:0018975, OMIM 162200. Disease mechanism: loss of function.

Submissions (2):

Labcorp Genetics (formerly Invitae), Labcorp
Classification: Pathogenic for Neurofibromatosis, type 1. Last evaluated: 2025-06-03. Review status: criteria provided, single submitter. Criteria: Invitae Variant Classification Sherloc (09022015). Collection method: clinical testing. Allele origin: germline.
Comment: This sequence change replaces alanine, which is neutral and non-polar, with glutamic acid, which is acidic and polar, at codon 246 of the NF1 protein (p.Ala246Glu). This variant is not present in population databases (gnomAD no frequency). This missense change has been observed in individual(s) with clinical features of neurofibromatosis, type 1 (PMID: 26056819; internal data). ClinVar contains an entry for this variant (Variation ID: 996418). Invitae Evidence Modeling of protein sequence and biophysical properties (such as structural, functional, and spatial information, amino acid conservation, physicochemical variation, residue mobility, and thermodynamic stability) indicates that this missense variant is expected to disrupt NF1 protein function with a positive predictive value of 95%. For these reasons, this variant has been classified as Pathogenic.

Genome Diagnostics Laboratory, The Hospital for Sick Children
Classification: Likely pathogenic for Neurofibromatosis, type 1. Last evaluated: 2020-10-26. Review status: criteria provided, single submitter. Criteria: ACMG Guidelines, 2015. Collection method: clinical testing. Allele origin: germline. Affected: yes.

Literature cited by the submitters: PubMed 26056819 (cited by Labcorp Genetics (formerly Invitae), Labcorp).

NM_001042492.3(NF1):c.737C>A (p.Ala246Glu)

Gene: NF1 (neurofibromin 1; plus strand). Cytogenetic location: 17q11.2.
Variant type: single nucleotide variant.
Coding change: c.737C>A on transcript NM_001042492.3 (MANE Select); coding-DNA position 737, C replaced by A.
Protein change: p.Ala246Glu; replaces alanine 246 with glutamic acid.
Molecular consequence: missense variant.
Genome position (GRCh38, 1-based): chr17:31,182,514, C>A. VCF-style: chr17-31182514-C-A. GRCh37 (hg19) VCF-style: chr17-29509532-C-A.
Other names: c.737C>A, p.Ala246Glu (NM_000267.4, NM_001128147.3); short protein forms A246E.
Identifiers: ClinVar variation 996418 (VCV000996418.4), dbSNP rs2066155612, ClinGen allele CA398990503.